The following is an entry in ClinVar:

NM_001385125.1(OPN1SW):c.895A>G (p.Ile299Val)

Gene: OPN1SW (opsin 1, short wave sensitive; minus strand). Cytogenetic location: 7q32.1.
Variant type: single nucleotide variant.
Coding change: c.895A>G on transcript NM_001385125.1 (MANE Select); coding-DNA position 895, A replaced by G.
Protein change: p.Ile299Val; replaces isoleucine 299 with valine.
Molecular consequence: missense variant.
Genome position (GRCh38, 1-based): chr7:128,773,672, T>C on the plus strand (A>G on the coding strand, the complement: OPN1SW is on the minus strand). VCF-style: chr7-128773672-T-C. GRCh37 (hg19) VCF-style: chr7-128413726-T-C.
Other names: NM_001708.2:c.904A>G; short protein forms I299V.
Identifiers: ClinVar variation 1170089 (VCV001170089.14), dbSNP rs78532499, ClinGen allele CA4472800.

ClinVar aggregate classification (germline): Benign. Review status: criteria provided, single submitter (1 of 4 stars). 4 submissions from 4 submitters: Benign (1). 3 of the submissions do not count toward it. Last evaluated 2025-12-19.

Conditions:
OPN1SW-related disorder. Also called: OPN1SW-related condition.

Allele frequency attached by ClinVar (database versions not stated): gnomAD exomes 0.00060 and 0.00187; gnomAD 0.00063 and 0.00084; TOPMed 0.00110; ExAC 0.00176; 1000 Genomes Project 0.00419; 1000 Genomes Project 30x 0.00422.
gnomAD v4.1: 1,025 of 1,614,200 alleles (0.063%); highest among the groups gnomAD compares: East Asian, 2%; 9 homozygotes.

Submissions (4):

Labcorp Genetics (formerly Invitae), Labcorp
Classification: Benign. Last evaluated: 2025-12-19. Review status: criteria provided, single submitter. Criteria: Invitae Variant Classification Sherloc (09022015). Collection method: clinical testing. Allele origin: germline.

PreventionGenetics, part of Exact Sciences
Classification: Benign for OPN1SW-related condition. Last evaluated: 2023-12-26. Review status: no assertion criteria provided. Collection method: clinical testing. Allele origin: germline. Not counted in ClinVar's aggregate classification.
Comment: This variant is classified as benign based on ACMG/AMP sequence variant interpretation guidelines (Richards et al. 2015 PMID: 25741868, with internal and published modifications).

Clinical Genetics DNA and cytogenetics Diagnostics Lab, Erasmus MC, Erasmus Medical Center
Classification: Likely benign. Review status: no assertion criteria provided. Collection method: clinical testing. Allele origin: germline. Affected: yes. Study: VKGL Data-share Consensus. Not counted in ClinVar's aggregate classification.

Clinical Genetics, Academic Medical Center
Classification: Benign. Review status: no assertion criteria provided. Collection method: clinical testing. Allele origin: germline. Affected: yes. Study: VKGL Data-share Consensus. Not counted in ClinVar's aggregate classification.